The following is an entry in ClinVar:

ClinVar aggregate classification (germline): Uncertain significance. Review status: criteria provided, multiple submitters, no conflicts (2 of 4 stars). 2 submissions from 2 submitters: Uncertain significance (2). Last evaluated 2024-10-16.

Conditions:
Inborn genetic diseases. Identifiers: MedGen C0950123, MeSH D030342.
Congenital hyperammonemia, type I. Also called: Carbamoyl-phosphate synthase I deficiency; Carbamoyl phosphate synthetase I deficiency disease; Carbamoyl phosphate synthetase 1 deficiency; Hyperammonemia due to carbamoyl phosphate synthetase 1 deficiency; CPS 1 deficiency; Carbamyl phosphate synthetase (CPS) deficiency. Identifiers: Orphanet 147, MedGen C4082171, MONDO:0009376, OMIM 237300.

Allele frequency attached by ClinVar (database versions not stated): gnomAD exomes 0.00001; TOPMed 0.00001; gnomAD 0.00003.
gnomAD v4.1: 26 of 1,613,776 alleles (0.0016%); highest among the groups gnomAD compares: Admixed American, 0.005%; no homozygotes.

Submissions (2):

Ambry Genetics
Classification: Uncertain significance for Inborn genetic diseases. Last evaluated: 2024-10-16. Review status: criteria provided, single submitter. Criteria: Ambry Variant Classification Scheme 2023. Collection method: clinical testing. Allele origin: germline.

Baylor Genetics
Classification: Uncertain significance for Congenital hyperammonemia, type I. Last evaluated: 2018-05-16. Review status: criteria provided, single submitter. Criteria: ACMG Guidelines, 2015. Collection method: clinical testing. Allele origin: unknown. Affected: yes.
Comment: This variant was determined to be of uncertain significance according to ACMG Guidelines, 2015 [PMID:25741868].

NM_001875.5(CPS1):c.2815C>T (p.Pro939Ser)

Gene: CPS1 (carbamoyl-phosphate synthase 1; plus strand). Cytogenetic location: 2q34.
Variant type: single nucleotide variant.
Coding change: c.2815C>T on transcript NM_001875.5 (MANE Select); coding-DNA position 2815, C replaced by T.
Protein change: p.Pro939Ser; replaces proline 939 with serine.
Molecular consequence: missense variant. On other transcripts: non-coding transcript variant (2).
Genome position (GRCh38, 1-based): chr2:210,637,829, C>T. VCF-style: chr2-210637829-C-T. GRCh37 (hg19) VCF-style: chr2-211502553-C-T.
Other names: c.2815C>T, p.Pro939Ser (NM_001122633.3, NM_001369257.1); c.2848C>T, p.Pro950Ser (NM_001369256.1); short protein forms P950S, P939S.
Identifiers: ClinVar variation 1032778 (VCV001032778.2), dbSNP rs1047579926, ClinGen allele CA64722268.